The following is an entry in ClinVar:

ClinVar aggregate classification (germline): Conflicting classifications of pathogenicity. Review status: criteria provided, conflicting classifications (1 of 4 stars). 6 submissions from 6 submitters: Uncertain significance (5); Benign (1). Last evaluated 2025-11-04.

Conditions:
Tuberous sclerosis 2 (TSC2). Identifiers: Orphanet 805, MedGen C1860707, MONDO:0013199, OMIM 613254.
Tuberous sclerosis syndrome (TSC). Also called: Tuberous Sclerosis Complex; Tuberous sclerosis. Identifiers: Orphanet 805, MedGen C0041341, MONDO:0001734.
Hereditary cancer-predisposing syndrome. Also called: Hereditary Cancer Syndrome; Tumor predisposition; Hereditary neoplastic syndrome; Neoplastic Syndromes, Hereditary. Identifiers: Orphanet 140162, MedGen C0027672, MeSH D009386, MONDO:0015356.

Allele frequency attached by ClinVar (database versions not stated): gnomAD exomes below 0.00001; ExAC 0.00001.

Submissions (6):

Labcorp Genetics (formerly Invitae), Labcorp
Classification: Benign for Tuberous sclerosis 2. Last evaluated: 2025-11-04. Review status: criteria provided, single submitter. Criteria: Invitae Variant Classification Sherloc (09022015). Collection method: clinical testing. Allele origin: germline.

Ambry Genetics
Classification: Uncertain significance for Hereditary cancer-predisposing syndrome. Last evaluated: 2024-11-14. Review status: criteria provided, single submitter. Criteria: Ambry Variant Classification Scheme 2023. Collection method: clinical testing. Allele origin: germline.
Comment: The p.M168V variant (also known as c.502A>G), located in coding exon 5 of the TSC2 gene, results from an A to G substitution at nucleotide position 502. The methionine at codon 168 is replaced by valine, an amino acid with highly similar properties. This amino acid position is highly conserved in available vertebrate species. In addition, this alteration is predicted to be deleterious by in silico analysis. Based on the available evidence, the clinical significance of this variant remains unclear.

St. Jude Molecular Pathology, St. Jude Children's Research Hospital
Classification: Uncertain significance for Tuberous sclerosis 2. Last evaluated: 2024-03-02. Review status: criteria provided, single submitter. Criteria: St. Jude Assertion Criteria 2020. Collection method: clinical testing. Allele origin: germline.
Comment: The TSC2 c.502A>G (p.Met168Val) missense change has a maximum subpopulation frequency of 0.005% in gnomAD v2.1.1. The in silico tool REVEL predicts a deleterious effect on protein function, but to our knowledge this prediction has not been confirmed by functional studies. To our knowledge, this variant has not been reported in individuals with tuberous sclerosis complex. In summary, the evidence currently available is insufficient to determine the clinical significance of this variant. It has therefore been classified as of uncertain significance.

All of Us Research Program, National Institutes of Health
Classification: Uncertain significance for Tuberous sclerosis syndrome. Last evaluated: 2023-07-10. Review status: criteria provided, single submitter. Criteria: ACMG Guidelines, 2015. Collection method: clinical testing. Allele origin: germline. Inheritance: Autosomal dominant inheritance. Observed: 1 variant allele, 1 heterozygote.
Comment: This missense variant replaces methionine with valine at codon 168 of the TSC2 protein. Computational prediction is inconclusive regarding the impact of this variant on protein structure and function (internally defined REVEL score threshold 0.5 < inconclusive < 0.7, PMID: 27666373). To our knowledge, functional studies have not been reported for this variant. This variant has not been reported in individuals affected with TSC2-related disorders in the literature. This variant has been identified in 1/251490 chromosomes in the general population by the Genome Aggregation Database (gnomAD). The available evidence is insufficient to determine the role of this variant in disease conclusively. Therefore, this variant is classified as a Variant of Uncertain Significance.

This study involves interpretation of variants in research participants for the purpose of population health screening. Participant phenotype was not available at the time of variant classification. Additional details can be found in publication PMID: 35346344, PMCID: PMC8962531

Sema4
Classification: Uncertain significance for Hereditary cancer-predisposing syndrome. Last evaluated: 2022-02-16. Review status: criteria provided, single submitter. Criteria: Sema4 Curation Guidelines. Collection method: curation. Allele origin: germline.
Comment: The TSC2 c.502A>G (p.M168V) variant has not been reported in the literature to our knowledge. It was observed in 1/18394 chromosomes of the East Asian subpopulation in the large and broad cohorts of the Genome Aggregation Database (PMID: 32461654). The variant has been reported in ClinVar (Variation ID 1047698). Functional studies have not been performed, and in silico predictions of the variant's effect on protein function are inconclusive. The evidence is insufficient to meet ACMG/AMP criteria for classifying the variant as benign or pathogenic. Thus, the clinical significance of this variant is currently uncertain.

Blueprint Genetics
Classification: Uncertain significance. Last evaluated: 2019-04-09. Review status: criteria provided, single submitter. Criteria: ACMG Guidelines, 2015. Collection method: clinical testing. Allele origin: germline.

NM_000548.5(TSC2):c.502A>G (p.Met168Val)

Gene: TSC2 (TSC complex subunit 2; plus strand). Cytogenetic location: 16p13.3.
Variant type: single nucleotide variant.
Coding change: c.502A>G on transcript NM_000548.5 (MANE Select); coding-DNA position 502, A replaced by G.
Protein change: p.Met168Val; replaces methionine 168 with valine.
Molecular consequence: missense variant. On other transcripts: intron variant (1).
Genome position (GRCh38, 1-based): chr16:2,055,422, A>G. VCF-style: chr16-2055422-A-G. GRCh37 (hg19) VCF-style: chr16-2105423-A-G.
Other names: c.502A>G, p.Met168Val (NM_001077183.3, NM_001114382.3, NM_001363528.2 and 3 more transcripts); c.391A>G, p.Met131Val (NM_001318827.2); c.355A>G, p.Met119Val (NM_001318829.2); c.535A>G, p.Met179Val (NM_001318832.2); c.-1-774A>G (NM_001318831.2); short protein forms M179V, M168V, M119V, M131V.
Identifiers: ClinVar variation 1047698 (VCV001047698.12), dbSNP rs779566253, ClinGen allele CA053552.